The following is an entry in ClinVar:

ClinVar aggregate classification (germline): Likely benign. Review status: criteria provided, single submitter (1 of 4 stars). 2 submissions from 2 submitters: Likely benign (1). 1 of the submissions does not count toward it. Last evaluated 2022-01-13.

Conditions:
WDR35-related disorder. Also called: WDR35-related condition; WDR35-related disorders. Identifiers: MedGen CN239419.
Short-rib thoracic dysplasia 7 with or without polydactyly (SRTD7). Also called: Short rib polydactyly syndrome 5; SHORT-RIB THORACIC DYSPLASIA 7 WITH POLYDACTYLY. Identifiers: Orphanet 498497, Orphanet 93271, MedGen C3279792, MONDO:0013569, OMIM 614091.
Cranioectodermal dysplasia 2 (CED2). Identifiers: Orphanet 1515, MedGen C3150874, MONDO:0013323, OMIM 613610.

Allele frequency attached by ClinVar (database versions not stated): gnomAD 0.00001; gnomAD exomes 0.00001; TOPMed 0.00001; ExAC 0.00002.
gnomAD v4.1: 6 of 1,614,028 alleles (0.00037%); highest among the groups gnomAD compares: South Asian, 0.0011%; no homozygotes.

Submissions (2):

Labcorp Genetics (formerly Invitae), Labcorp
Classification: Likely benign for Cranioectodermal dysplasia 2; Short-rib thoracic dysplasia 7 with or without polydactyly. Last evaluated: 2022-01-13. Review status: criteria provided, single submitter. Criteria: Invitae Variant Classification Sherloc (09022015). Collection method: clinical testing. Allele origin: germline.

PreventionGenetics, part of Exact Sciences
Classification: Likely benign for WDR35-related condition. Last evaluated: 2021-03-10. Review status: no assertion criteria provided. Collection method: clinical testing. Allele origin: germline. Not counted in ClinVar's aggregate classification.
Comment: This variant is classified as likely benign based on ACMG/AMP sequence variant interpretation guidelines (Richards et al. 2015 PMID: 25741868, with internal and published modifications).

NM_020779.4(WDR35):c.3396A>G (p.Thr1132=)

Gene: WDR35 (WD repeat domain 35; minus strand). Cytogenetic location: 2p24.1.
Variant type: single nucleotide variant.
Coding change: c.3396A>G on transcript NM_020779.4 (MANE Select); coding-DNA position 3396, A replaced by G.
Protein change: p.Thr1132=; no amino-acid change (threonine 1132 retained).
Molecular consequence: synonymous variant.
Genome position (GRCh38, 1-based): chr2:19,913,675, T>C on the plus strand (A>G on the coding strand, the complement: WDR35 is on the minus strand). VCF-style: chr2-19913675-T-C. GRCh37 (hg19) VCF-style: chr2-20113436-T-C.
Other names: c.3429A>G (NM_001006657.1); c.3429A>G, p.Thr1143= (NM_001006657.2).
Identifiers: ClinVar variation 2177240 (VCV002177240.6), dbSNP rs779811806, ClinGen allele CA1542667.